The following is an entry in ClinVar:

NM_003073.5(SMARCB1):c.185A>T (p.Lys62Ile)

Gene: SMARCB1 (SWI/SNF related BAF chromatin remodeling complex subunit B1; plus strand). Cytogenetic location: 22q11.23.
Variant type: single nucleotide variant.
Coding change: c.185A>T on transcript NM_003073.5 (MANE Select); coding-DNA position 185, A replaced by T.
Protein change: p.Lys62Ile; replaces lysine 62 with isoleucine.
Molecular consequence: missense variant.
Genome position (GRCh38, 1-based): chr22:23,791,847, A>T. VCF-style: chr22-23791847-A-T. GRCh37 (hg19) VCF-style: chr22-24134034-A-T.
Other names: c.185A>T, p.Lys62Ile (NM_001007468.3, NM_001317946.2, NM_001362877.2); short protein forms K62I.
Identifiers: ClinVar variation 950406 (VCV000950406.9), dbSNP rs1928402357, ClinGen allele CA410932941.
Genomic context (GRCh38, chr22:23,791,847, plus strand): 5'-CTCTGTACAAGAGATACCCCTCACTCTGGAGGCGACTAGCCACTGTGGAAGAGAGGAAGA[A>T]AATAGTTGCATCGTCACATGGTAAAAAAACAAAACCTAACACTAAGGGTGCGTCTTCACG-3'
Protein context (NP_003064.2, residues 52-72): RRLATVEERK[Lys62Ile]IVASSHGKKT

ClinVar aggregate classification (germline): Uncertain significance (1 of 4 stars; one submission).

Submission:

Labcorp Genetics (formerly Invitae), Labcorp
Classification: Uncertain significance. Last evaluated: 2023-05-18. Review status: criteria provided, single submitter. Criteria: Invitae Variant Classification Sherloc (09022015). Collection method: clinical testing. Allele origin: germline.
Comment: This sequence change replaces lysine, which is basic and polar, with isoleucine, which is neutral and non-polar, at codon 62 of the SMARCB1 protein (p.Lys62Ile). In summary, the available evidence is currently insufficient to determine the role of this variant in disease. Therefore, it has been classified as a Variant of Uncertain Significance. An algorithm developed to predict the effect of missense changes on protein structure and function (PolyPhen-2) suggests that this variant is likely to be tolerated. ClinVar contains an entry for this variant (Variation ID: 950406). This variant has not been reported in the literature in individuals affected with SMARCB1-related conditions. This variant is not present in population databases (gnomAD no frequency).